The following is an entry in ClinVar:

NM_000489.6(ATRX):c.2117G>C (p.Ser706Thr)

Gene: ATRX (ATRX chromatin remodeler; minus strand). Cytogenetic location: Xq21.1.
Variant type: single nucleotide variant.
Coding change: c.2117G>C on transcript NM_000489.6 (MANE Select); coding-DNA position 2117, G replaced by C.
Protein change: p.Ser706Thr; replaces serine 706 with threonine.
Molecular consequence: missense variant.
Genome position (GRCh38, 1-based): chrX:77,683,139, C>G on the plus strand (G>C on the coding strand, the complement: ATRX is on the minus strand). VCF-style: chrX-77683139-C-G. GRCh37 (hg19) VCF-style: chrX-76938631-C-G.
Other names: c.2003G>C, p.Ser668Thr (NM_138270.5); short protein forms S668T, S706T.
Identifiers: ClinVar variation 1166637 (VCV001166637.11), dbSNP rs782171296, ClinGen allele CA10458128.

ClinVar aggregate classification (germline): Benign/Likely benign. Review status: criteria provided, multiple submitters, no conflicts (2 of 4 stars). 2 submissions from 2 submitters: Benign (1); Likely benign (1). Last evaluated 2026-05-01.

Conditions:
Alpha thalassemia-X-linked intellectual disability syndrome (ATRX). Also called: X-linked alpha-thalassemia-mental retardation syndrome; ALPHA-THALASSEMIA/IMPAIRED INTELLECTUAL DEVELOPMENT SYNDROME, X-LINKED; ALPHA-THALASSEMIA/MENTAL RETARDATION SYNDROME, X-LINKED; ATR, NONDELETION TYPE; ATR-X syndrome; Alpha thalassemia mental retardation syndrome, nondeletion type, X-linked. Identifiers: Orphanet 847, MedGen C1845055, MONDO:0010519, OMIM 301040.

Allele frequency attached by ClinVar (database versions not stated): gnomAD exomes 0.00001 and 0.00004; ExAC 0.00003.

Submissions (2):

CeGaT Center for Human Genetics Tuebingen
Classification: Likely benign. Last evaluated: 2026-05-01. Review status: criteria provided, single submitter. Criteria: CeGaT Center For Human Genetics Tuebingen Variant Classification Criteria Version 2. Collection method: clinical testing. Allele origin: germline. Affected: yes. Observed: 1 variant allele.
Comment: ATRX: BS2

Labcorp Genetics (formerly Invitae), Labcorp
Classification: Benign for Alpha thalassemia-X-linked intellectual disability syndrome. Last evaluated: 2024-01-24. Review status: criteria provided, single submitter. Criteria: Invitae Variant Classification Sherloc (09022015). Collection method: clinical testing. Allele origin: germline.